The following is an entry in ClinVar:

ClinVar aggregate classification (germline): Uncertain significance (1 of 4 stars; one submission).

Conditions:
Charcot-Marie-Tooth disease axonal type 2O. Also called: CHARCOT-MARIE-TOOTH NEUROPATHY, AXONAL, TYPE 2O; CHARCOT-MARIE-TOOTH DISEASE, AXONAL, AUTOSOMAL DOMINANT, TYPE 2O; Charcot-Marie-Tooth disease, axonal, type 20; Charcot-Marie-Tooth Neuropathy Type 2O. Identifiers: Orphanet 284232, MedGen C3280220, MONDO:0013644, OMIM 614228.

Submission:

Labcorp Genetics (formerly Invitae), Labcorp
Classification: Uncertain significance for Charcot-Marie-Tooth disease axonal type 2O. Last evaluated: 2022-05-04. Review status: criteria provided, single submitter. Criteria: Invitae Variant Classification Sherloc (09022015). Collection method: clinical testing. Allele origin: germline.
Comment: In summary, the available evidence is currently insufficient to determine the role of this variant in disease. Therefore, it has been classified as a Variant of Uncertain Significance. Advanced modeling of protein sequence and biophysical properties (such as structural, functional, and spatial information, amino acid conservation, physicochemical variation, residue mobility, and thermodynamic stability) performed at Invitae indicates that this missense variant is not expected to disrupt DYNC1H1 protein function. This variant has not been reported in the literature in individuals affected with DYNC1H1-related conditions. This variant is not present in population databases (gnomAD no frequency). This sequence change replaces threonine, which is neutral and polar, with asparagine, which is neutral and polar, at codon 4401 of the DYNC1H1 protein (p.Thr4401Asn).

NM_001376.5(DYNC1H1):c.13202C>A (p.Thr4401Asn)

Gene: DYNC1H1 (dynein cytoplasmic 1 heavy chain 1; plus strand). Cytogenetic location: 14q32.31.
Variant type: single nucleotide variant.
Coding change: c.13202C>A on transcript NM_001376.5 (MANE Select); coding-DNA position 13202, C replaced by A.
Protein change: p.Thr4401Asn; replaces threonine 4401 with asparagine.
Molecular consequence: missense variant.
Genome position (GRCh38, 1-based): chr14:102,048,012, C>A. VCF-style: chr14-102048012-C-A. GRCh37 (hg19) VCF-style: chr14-102514349-C-A.
Other names: short protein forms T4401N.
Identifiers: ClinVar variation 2133630 (VCV002133630.4), dbSNP rs2503881216, ClinGen allele CA391046735.